The following is an entry in ClinVar:

ClinVar aggregate classification (germline): Pathogenic (1 of 4 stars; one submission).

Submission:

Labcorp Genetics (formerly Invitae), Labcorp
Classification: Pathogenic. Last evaluated: 2022-08-21. Review status: criteria provided, single submitter. Criteria: Invitae Variant Classification Sherloc (09022015). Collection method: clinical testing. Allele origin: germline.
Comment: For these reasons, this variant has been classified as Pathogenic. This variant has not been reported in the literature in individuals affected with POLE-related conditions. This variant is not present in population databases (gnomAD no frequency). This sequence change creates a premature translational stop signal (p.Asp1309Metfs*52) in the POLE gene. It is expected to result in an absent or disrupted protein product. Loss-of-function variants in POLE are known to be pathogenic (PMID: 23230001, 25948378, 30503519).

Literature cited by the submitters: PubMed 23230001; PubMed 25948378; PubMed 30503519.

NM_006231.4(POLE):c.3925del (p.Asp1309fs)

Gene: POLE (DNA polymerase epsilon, catalytic subunit; minus strand). Cytogenetic location: 12q24.33.
Variant type: Deletion.
Coding change: c.3925del on transcript NM_006231.4 (MANE Select); coding-DNA position 3925, one base deleted (G; older notation c.3925delG).
Protein change: p.Asp1309fs; shifts the reading frame from aspartic acid 1309.
Molecular consequence: frameshift variant.
Genome position (GRCh38, 1-based): chr12:132,649,386, C deleted on the plus strand (G on the coding strand, the reverse complement: POLE is on the minus strand); the first of 3 consecutive C bases (chr12:132,649,386-132,649,388); deleting any one gives the same sequence. VCF-style (leftmost placement, unchanged base first): chr12-132649385-TC-T. GRCh37 (hg19) VCF-style: chr12-133225971-TC-T.
Other names: short protein forms D1309fs.
Identifiers: ClinVar variation 2025472 (VCV002025472.4), dbSNP rs2541948100, ClinGen allele CA2580086191.